The following is an entry in ClinVar:

ClinVar aggregate classification (germline): Uncertain significance. Review status: criteria provided, multiple submitters, no conflicts (2 of 4 stars). 2 submissions from 2 submitters: Uncertain significance (2). Last evaluated 2023-11-10.

Conditions:
Currarino triad. Identifiers: Orphanet 1552, MedGen C1531773, MONDO:0008305, OMIM 176450.

Allele frequency attached by ClinVar (database versions not stated): TOPMed below 0.00001; gnomAD 0.00001; gnomAD exomes 0.00001.

Submissions (2):

Labcorp Genetics (formerly Invitae), Labcorp
Classification: Uncertain significance. Last evaluated: 2023-11-10. Review status: criteria provided, single submitter. Criteria: Invitae Variant Classification Sherloc (09022015). Collection method: clinical testing. Allele origin: germline.
Comment: This sequence change replaces glycine, which is neutral and non-polar, with arginine, which is basic and polar, at codon 49 of the MNX1 protein (p.Gly49Arg). The frequency data for this variant in the population databases is considered unreliable, as metrics indicate poor data quality at this position in the gnomAD database. This variant has not been reported in the literature in individuals affected with MNX1-related conditions. ClinVar contains an entry for this variant (Variation ID: 2433774). Experimental studies and prediction algorithms are not available or were not evaluated, and the functional significance of this variant is currently unknown. In summary, the available evidence is currently insufficient to determine the role of this variant in disease. Therefore, it has been classified as a Variant of Uncertain Significance.

Revvity Omics, Revvity
Classification: Uncertain significance for Currarino triad. Last evaluated: 2021-12-20. Review status: criteria provided, single submitter. Criteria: ACMG Guidelines, 2015. Collection method: clinical testing. Allele origin: germline.

NM_005515.4(MNX1):c.145G>A (p.Gly49Arg)

Gene: MNX1 (motor neuron and pancreas homeobox 1; minus strand). Cytogenetic location: 7q36.3.
Variant type: single nucleotide variant.
Coding change: c.145G>A on transcript NM_005515.4 (MANE Select); coding-DNA position 145, G replaced by A.
Protein change: p.Gly49Arg; replaces glycine 49 with arginine.
Molecular consequence: missense variant.
Genome position (GRCh38, 1-based): chr7:157,010,206, C>T on the plus strand (G>A on the coding strand, the complement: MNX1 is on the minus strand). VCF-style: chr7-157010206-C-T. GRCh37 (hg19) VCF-style: chr7-156802900-C-T.
Other names: short protein forms G49R.
Identifiers: ClinVar variation 2433774 (VCV002433774.6), dbSNP rs1472400448, ClinGen allele CA370165164.
Genomic context (GRCh38, chr7:157,010,206, plus strand): 5'-GCGCAGCCGGCGGCTCCGAGGACGCGGGGCTGCAGCTGCCGCTAGTCCCGCCGCTCGCCC[C>T]GCCGCCGCCGCCGCCACCTCCGGTGCCAGATGCGGCGGCGGCGAGCGACGTGACCAAGGC-3'
Protein context (NP_005506.3, residues 39-59): SGTGGGGGGG[Gly49Arg]ASGGTSGSCS